The following is an entry in ClinVar:

NM_024642.5(GALNT12):c.1671C>G (p.Asp557Glu)

Gene: GALNT12 (polypeptide N-acetylgalactosaminyltransferase 12; plus strand). Cytogenetic location: 9q22.33.
Variant type: single nucleotide variant.
Coding change: c.1671C>G on transcript NM_024642.5 (MANE Select); coding-DNA position 1671, C replaced by G.
Protein change: p.Asp557Glu; replaces aspartic acid 557 with glutamic acid.
Molecular consequence: missense variant.
Genome position (GRCh38, 1-based): chr9:98,849,017, C>G. VCF-style: chr9-98849017-C-G. GRCh37 (hg19) VCF-style: chr9-101611299-C-G.
Other names: short protein forms D557E.
Identifiers: ClinVar variation 3518482 (VCV003518482.1).

ClinVar aggregate classification (germline): Uncertain significance (1 of 4 stars; one submission).

gnomAD v4.1: 1 of 1,613,972 alleles (0.000062%); highest among the groups gnomAD compares: Non-Finnish European, 0.000085%; no homozygotes.

Submission:

Ambry Genetics
Classification: Uncertain significance. Last evaluated: 2024-07-15. Review status: criteria provided, single submitter. Criteria: Ambry Variant Classification Scheme 2023. Collection method: clinical testing. Allele origin: germline.
Comment: The p.D557E variant (also known as c.1671C>G), located in coding exon 10 of the GALNT12 gene, results from a C to G substitution at nucleotide position 1671. The aspartic acid at codon 557 is replaced by glutamic acid, an amino acid with highly similar properties. This amino acid position is conserved. In addition, this alteration is predicted to be tolerated by in silico analysis. Based on the available evidence, the clinical significance of this variant remains unclear.